The following is an entry in ClinVar:

NM_000051.4(ATM):c.73-25ATT[2]

Gene: ATM (ATM serine/threonine kinase; plus strand). Cytogenetic location: 11q22.3.
Variant type: Microsatellite.
Coding change: c.73-25ATT[2] on transcript NM_000051.4 (MANE Select); two copies in a row of the 3-base unit ATT starting at c.73-25; the reference has three copies in a row; one copy, 3 bases deleted.
Molecular consequence: intron variant.
Genome position (GRCh38, 1-based): chr11:108,227,757-108,227,759, ATT deleted; deleting any 3 consecutive bases within chr11:108,227,751-108,227,759 gives the same sequence; the position shown is the placement nearest the transcript's 3' end. VCF-style (leftmost placement, unchanged base first): chr11-108227750-CATT-C. GRCh37 (hg19) VCF-style: chr11-108098477-CATT-C.
Other names: c.73-25ATT[2] (NM_001351834.2, NM_001351835.2, NM_001351836.2).
Identifiers: ClinVar variation 3253773 (VCV003253773.1), dbSNP rs768832884.

ClinVar aggregate classification (germline): Benign (1 of 4 stars; one submission).

Conditions:
Familial cancer of breast. Also called: BREAST CANCER, FAMILIAL; Hereditary breast cancer; hereditary breast carcinoma. Identifiers: Orphanet 227535, MedGen C0346153, MONDO:0016419, OMIM 114480. Disease mechanism: loss of function.

Submission:

Myriad Genetics, Inc.
Classification: Benign for Familial cancer of breast. Last evaluated: 2024-04-17. Review status: criteria provided, single submitter. Criteria: Myriad Autosomal Dominant, Autosomal Recessive and X-Linked Classification Criteria (2023). Collection method: clinical testing. Allele origin: unknown.
Comment: This variant is considered benign. This variant is intronic and is not expected to impact mRNA splicing.